The following is an entry in ClinVar:

NM_001127496.3(SPRY4):c.244G>A (p.Asp82Asn)

Gene: SPRY4 (sprouty RTK signaling antagonist 4; minus strand). Cytogenetic location: 5q31.3.
Variant type: single nucleotide variant.
Coding change: c.244G>A on transcript NM_001127496.3 (MANE Select); coding-DNA position 244, G replaced by A.
Protein change: p.Asp82Asn; replaces aspartic acid 82 with asparagine.
Molecular consequence: missense variant.
Genome position (GRCh38, 1-based): chr5:142,314,865, C>T on the plus strand (G>A on the coding strand, the complement: SPRY4 is on the minus strand). VCF-style: chr5-142314865-C-T. GRCh37 (hg19) VCF-style: chr5-141694430-C-T.
Other names: c.244G>A, p.Asp82Asn (NM_001293289.3, NM_001293290.3); c.313G>A, p.Asp105Asn (NM_030964.5); c.313G>A (NM_030964.3); short protein forms D105N, D82N.
Identifiers: ClinVar variation 1596554 (VCV001596554.8), dbSNP rs568363732, ClinGen allele CA3485586.

ClinVar aggregate classification (germline): Likely benign. Review status: criteria provided, multiple submitters, no conflicts (2 of 4 stars). 2 submissions from 2 submitters: Likely benign (2). Last evaluated 2026-09-21.

Conditions:
SPRY4-related disorder. Also called: SPRY4-related condition.

Allele frequency attached by ClinVar (database versions not stated): gnomAD exomes 0.00013 and 0.00027; TOPMed 0.00015; gnomAD 0.00016; 1000 Genomes Project 0.00020; ExAC 0.00021; 1000 Genomes Project 30x 0.00031.
gnomAD v4.1: 221 of 1,592,908 alleles (0.014%); highest among the groups gnomAD compares: Middle Eastern, 0.017%; 1 homozygote.

Submissions (2):

PreventionGenetics, part of Exact Sciences
Classification: Likely benign for SPRY4-related condition. Last evaluated: 2026-09-21. Review status: criteria provided, single submitter. Criteria: ACMG Guidelines, 2015. Collection method: clinical testing. Allele origin: germline.
Comment: This variant is classified as likely benign based on ACMG/AMP sequence variant interpretation guidelines (Richards et al. 2015 PMID: 25741868, with internal and published modifications).

Labcorp Genetics (formerly Invitae), Labcorp
Classification: Likely benign. Last evaluated: 2025-01-24. Review status: criteria provided, single submitter. Criteria: Invitae Variant Classification Sherloc (09022015). Collection method: clinical testing. Allele origin: germline.